The following is an entry in ClinVar:

ClinVar aggregate classification (germline): Uncertain significance. Review status: criteria provided, multiple submitters, no conflicts (2 of 4 stars). 2 submissions from 2 submitters: Uncertain significance (2). Last evaluated 2024-03-04.

Conditions:
Epilepsy, familial focal, with variable foci 3 (FFEVF3). Identifiers: MedGen C4310708, MONDO:0014925, OMIM 617118.

Allele frequency attached by ClinVar (database versions not stated): gnomAD exomes below 0.00001; TOPMed below 0.00001.

Submissions (2):

Labcorp Genetics (formerly Invitae), Labcorp
Classification: Uncertain significance for Epilepsy, familial focal, with variable foci 3. Last evaluated: 2024-03-04. Review status: criteria provided, single submitter. Criteria: Invitae Variant Classification Sherloc (09022015). Collection method: clinical testing. Allele origin: germline.
Comment: This sequence change replaces isoleucine, which is neutral and non-polar, with valine, which is neutral and non-polar, at codon 498 of the NPRL3 protein (p.Ile498Val). This variant is not present in population databases (gnomAD no frequency). This variant has not been reported in the literature in individuals affected with NPRL3-related conditions. ClinVar contains an entry for this variant (Variation ID: 1313313). Advanced modeling of protein sequence and biophysical properties (such as structural, functional, and spatial information, amino acid conservation, physicochemical variation, residue mobility, and thermodynamic stability) performed at Invitae indicates that this missense variant is not expected to disrupt NPRL3 protein function with a negative predictive value of 80%. In summary, the available evidence is currently insufficient to determine the role of this variant in disease. Therefore, it has been classified as a Variant of Uncertain Significance.

GeneDx
Classification: Uncertain significance. Last evaluated: 2020-10-14. Review status: criteria provided, single submitter. Criteria: GeneDx Variant Classification Process June 2021. Collection method: clinical testing. Allele origin: germline. Affected: yes.
Comment: Not observed in large population cohorts (Lek et al., 2016); Has not been previously published as pathogenic or benign to our knowledge

NM_001077350.3(NPRL3):c.1492A>G (p.Ile498Val)

Genes: HBA-LCR (alpha-globin locus control region; plus strand), NPRL3 (NPR3 like, GATOR1 complex subunit; minus strand). Cytogenetic location: 16p13.3.
Variant type: single nucleotide variant.
Coding change: c.1492A>G on transcript NM_001077350.3 (MANE Select); coding-DNA position 1492, A replaced by G.
Protein change: p.Ile498Val; replaces isoleucine 498 with valine.
Molecular consequence: missense variant.
Genome position (GRCh38, 1-based): chr16:88,750, T>C on the plus strand (A>G on the coding strand, the complement: NPRL3 is on the minus strand). VCF-style: chr16-88750-T-C. GRCh37 (hg19) VCF-style: chr16-138749-T-C.
Other names: c.1258A>G, p.Ile420Val (NM_001243247.2); c.1417A>G, p.Ile473Val (NM_001243248.2, NM_001243249.2); c.955A>G, p.Ile319Val (NM_001039476.3); short protein forms I319V, I420V, I473V, I498V.
Identifiers: ClinVar variation 1313313 (VCV001313313.5), dbSNP rs1898614224, ClinGen allele CA394048477.